The following is an entry in ClinVar:

NM_004473.4(FOXE1):c.535G>C (p.Ala179Pro)

Gene: FOXE1 (forkhead box E1; plus strand). Cytogenetic location: 9q22.33.
Variant type: single nucleotide variant.
Coding change: c.535G>C on transcript NM_004473.4 (MANE Select); coding-DNA position 535, G replaced by C.
Protein change: p.Ala179Pro; replaces alanine 179 with proline.
Molecular consequence: missense variant.
Genome position (GRCh38, 1-based): chr9:97,854,449, G>C. VCF-style: chr9-97854449-G-C. GRCh37 (hg19) VCF-style: chr9-100616731-G-C.
Other names: short protein forms A179P.
Identifiers: ClinVar variation 3341933 (VCV003341933.16).

ClinVar aggregate classification (germline): Uncertain significance (1 of 4 stars; one submission).

Submission:

CeGaT Center for Human Genetics Tuebingen
Classification: Uncertain significance. Last evaluated: 2024-08-01. Review status: criteria provided, single submitter. Criteria: CeGaT Center For Human Genetics Tuebingen Variant Classification Criteria Version 2. Collection method: clinical testing. Allele origin: germline. Affected: yes. Observed: 1 variant allele.
Comment: FOXE1: PM2, PP3